The following is an entry in ClinVar:

ClinVar aggregate classification (germline): Benign/Likely benign. Review status: criteria provided, multiple submitters, no conflicts (2 of 4 stars). 4 submissions from 4 submitters: Benign (1); Likely benign (3). Last evaluated 2025-01-14.

Conditions:
Hereditary cancer-predisposing syndrome. Also called: Tumor predisposition; Neoplastic Syndromes, Hereditary; Hereditary Cancer Syndrome; Hereditary neoplastic syndrome. Identifiers: Orphanet 140162, MedGen C0027672, MeSH D009386, MONDO:0015356.
Familial cancer of breast. Also called: BREAST CANCER, FAMILIAL; hereditary breast carcinoma; Hereditary breast cancer. Identifiers: Orphanet 227535, MedGen C0346153, MONDO:0016419, OMIM 114480. Disease mechanism: loss of function.
Ataxia-telangiectasia syndrome (AT). Also called: Ataxia-telangiectasia; Ataxia-telangiectasia, complementation group D; AT, COMPLEMENTATION GROUP C; LOUIS-BAR SYNDROME; Cerebello-oculocutaneous telangiectasia; Immunodeficiency with ataxia telangiectasia. Identifiers: Orphanet 100, MedGen C0004135, MONDO:0008840, OMIM 208900.

Allele frequency attached by ClinVar (database versions not stated): gnomAD exomes below 0.00001.
gnomAD v4.1: 2 of 1,613,956 alleles (0.00012%); highest among the groups gnomAD compares: African/African-American, 0.0013%; no homozygotes.

Submissions (4):

Labcorp Genetics (formerly Invitae), Labcorp
Classification: Likely benign for Ataxia-telangiectasia syndrome. Last evaluated: 2025-01-14. Review status: criteria provided, single submitter. Criteria: Invitae Variant Classification Sherloc (09022015). Collection method: clinical testing. Allele origin: germline.

Myriad Genetics, Inc.
Classification: Benign for Familial cancer of breast. Last evaluated: 2024-05-01. Review status: criteria provided, single submitter. Criteria: Myriad Autosomal Dominant, Autosomal Recessive and X-Linked Classification Criteria (2023). Collection method: clinical testing. Allele origin: unknown.
Comment: This variant is considered benign. This variant is a silent/synonymous amino acid change and it is not expected to impact splicing.

Ambry Genetics
Classification: Likely benign for Hereditary cancer-predisposing syndrome. Last evaluated: 2023-02-03. Review status: criteria provided, single submitter. Criteria: Ambry Variant Classification Scheme 2023. Collection method: clinical testing. Allele origin: germline.

Color Diagnostics, LLC DBA Color Health
Classification: Likely benign for Hereditary cancer-predisposing syndrome. Last evaluated: 2016-11-18. Review status: criteria provided, single submitter. Criteria: ACMG Guidelines, 2015. Collection method: clinical testing. Allele origin: germline.

NM_000051.4(ATM):c.1680G>A (p.Glu560=)

Gene: ATM (ATM serine/threonine kinase; plus strand). Cytogenetic location: 11q22.3.
Variant type: single nucleotide variant.
Coding change: c.1680G>A on transcript NM_000051.4 (MANE Select); coding-DNA position 1680, G replaced by A.
Protein change: p.Glu560=; no amino-acid change (glutamic acid 560 retained).
Molecular consequence: synonymous variant.
Genome position (GRCh38, 1-based): chr11:108,251,909, G>A. VCF-style: chr11-108251909-G-A. GRCh37 (hg19) VCF-style: chr11-108122636-G-A.
Other names: c.1680G>A, p.Glu560= (NM_001351834.2).
Identifiers: ClinVar variation 490431 (VCV000490431.14), dbSNP rs1555071815, ClinGen allele CA476672111.